The following is an entry in ClinVar:

NM_001148.6(ANK2):c.4763T>G (p.Val1588Gly)

Gene: ANK2 (ankyrin 2; plus strand). Cytogenetic location: 4q26.
Variant type: single nucleotide variant.
Coding change: c.4763T>G on transcript NM_001148.6 (MANE Select); coding-DNA position 4763, T replaced by G.
Protein change: p.Val1588Gly; replaces valine 1588 with glycine.
Molecular consequence: missense variant. On other transcripts: intron variant (68).
Genome position (GRCh38, 1-based): chr4:113,353,381, T>G. VCF-style: chr4-113353381-T-G. GRCh37 (hg19) VCF-style: chr4-114274537-T-G.
Other names: c.4042+3132T>G (NM_001354277.2, NM_001386157.1); c.4360+3132T>G (NM_001386161.1, NM_001354244.2, NM_001354256.2); c.4285+3132T>G (NM_001354261.2); c.4165+3132T>G (NM_001386156.1, NM_001354257.2); c.4261+3132T>G (NM_001354264.2); c.4240+3132T>G (NM_001354267.2, NM_001386162.1, NM_001354249.2 and 2 more transcripts); c.4141+3132T>G (NM_001354271.2, NM_001386151.1, NM_001354260.2); c.3943+3132T>G (NM_001386158.1); and 35 more; short protein forms V1510G, V1627G, V388G, V1588G, V1635G.
Identifiers: ClinVar variation 2830665 (VCV002830665.3), dbSNP rs745494927, ClinGen allele CA357916592.

ClinVar aggregate classification (germline): Uncertain significance (1 of 4 stars; one submission).

Conditions:
Long QT syndrome (LQTS). Identifiers: MedGen C0023976, MeSH D008133, MONDO:0002442. Disease mechanism: loss of function. Inheritance: Various modes of inheritance.

Submission:

Labcorp Genetics (formerly Invitae), Labcorp
Classification: Uncertain significance for Long QT syndrome. Last evaluated: 2024-07-02. Review status: criteria provided, single submitter. Criteria: Invitae Variant Classification Sherloc (09022015). Collection method: clinical testing. Allele origin: germline.
Comment: This sequence change replaces valine, which is neutral and non-polar, with glycine, which is neutral and non-polar, at codon 1588 of the ANK2 protein (p.Val1588Gly). This variant is not present in population databases (gnomAD no frequency). This variant has not been reported in the literature in individuals affected with ANK2-related conditions. Algorithms developed to predict the effect of missense changes on protein structure and function output the following: SIFT: "Not Available"; PolyPhen-2: "Benign"; Align-GVGD: "Not Available". The glycine amino acid residue is found in multiple mammalian species, which suggests that this missense change does not adversely affect protein function. In summary, the available evidence is currently insufficient to determine the role of this variant in disease. Therefore, it has been classified as a Variant of Uncertain Significance.